The following is an entry in ClinVar:

ClinVar aggregate classification (germline): Uncertain significance (1 of 4 stars; one submission).

Submission:

Ambry Genetics
Classification: Uncertain significance. Last evaluated: 2024-02-26. Review status: criteria provided, single submitter. Criteria: Ambry Variant Classification Scheme 2023. Collection method: clinical testing. Allele origin: germline.
Comment: The p.V783I variant (also known as c.2347G>A), located in coding exon 22 of the KIF1B gene, results from a G to A substitution at nucleotide position 2347. The valine at codon 783 is replaced by isoleucine, an amino acid with highly similar properties. This amino acid position is conserved. In addition, the in silico prediction for this alteration is inconclusive. Based on the available evidence, the clinical significance of this alteration remains unclear.

NM_001365951.3(KIF1B):c.2485G>A (p.Val829Ile)

Gene: KIF1B (kinesin family member 1B; plus strand). Cytogenetic location: 1p36.22.
Variant type: single nucleotide variant.
Coding change: c.2485G>A on transcript NM_001365951.3 (MANE Select); coding-DNA position 2485, G replaced by A.
Protein change: p.Val829Ile; replaces valine 829 with isoleucine.
Molecular consequence: missense variant.
Genome position (GRCh38, 1-based): chr1:10,324,010, G>A. VCF-style: chr1-10324010-G-A. GRCh37 (hg19) VCF-style: chr1-10384068-G-A.
Other names: c.2485G>A, p.Val829Ile (NM_001365952.1); c.2347G>A, p.Val783Ile (NM_015074.3); short protein forms V783I, V829I.
Identifiers: ClinVar variation 3226394 (VCV003226394.1), dbSNP rs2521623114, ClinGen allele CA338334907.